The following is an entry in ClinVar:

ClinVar aggregate classification (germline): Uncertain significance. Review status: criteria provided, multiple submitters, no conflicts (2 of 4 stars). 2 submissions from 2 submitters: Uncertain significance (2). Last evaluated 2022-03-29.

Allele frequency attached by ClinVar (database versions not stated): gnomAD 0.00005; TOPMed 0.00004; ExAC 0.00004.
gnomAD v4.1: 56 of 1,611,162 alleles (0.0035%); highest among the groups gnomAD compares: Admixed American, 0.0017%; no homozygotes.

Submissions (2):

Labcorp Genetics (formerly Invitae), Labcorp
Classification: Uncertain significance. Last evaluated: 2022-03-29. Review status: criteria provided, single submitter. Criteria: Invitae Variant Classification Sherloc (09022015). Collection method: clinical testing. Allele origin: germline.
Comment: This sequence change replaces glutamic acid, which is acidic and polar, with aspartic acid, which is acidic and polar, at codon 570 of the RTTN protein (p.Glu570Asp). This variant is present in population databases (rs761130082, gnomAD 0.1%). This variant has not been reported in the literature in individuals affected with RTTN-related conditions. ClinVar contains an entry for this variant (Variation ID: 1304964). Algorithms developed to predict the effect of missense changes on protein structure and function (SIFT, PolyPhen-2, Align-GVGD) all suggest that this variant is likely to be tolerated. In summary, the available evidence is currently insufficient to determine the role of this variant in disease. Therefore, it has been classified as a Variant of Uncertain Significance.

GeneDx
Classification: Uncertain significance. Last evaluated: 2019-12-09. Review status: criteria provided, single submitter. Criteria: GeneDx Variant Classification Process June 2021. Collection method: clinical testing. Allele origin: germline. Affected: yes.
Comment: In silico analysis, which includes protein predictors and evolutionary conservation, supports that this variant does not alter protein structure/function; Has not been previously published as pathogenic or benign to our knowledge

NM_173630.4(RTTN):c.1710A>C (p.Glu570Asp)

Gene: RTTN (rotatin; minus strand). Cytogenetic location: 18q22.2.
Variant type: single nucleotide variant.
Coding change: c.1710A>C on transcript NM_173630.4 (MANE Select); coding-DNA position 1710, A replaced by C.
Protein change: p.Glu570Asp; replaces glutamic acid 570 with aspartic acid.
Molecular consequence: missense variant. On other transcripts: 5 prime UTR variant (1).
Genome position (GRCh38, 1-based): chr18:70,167,011, T>G on the plus strand (A>C on the coding strand, the complement: RTTN is on the minus strand). VCF-style: chr18-70167011-T-G. GRCh37 (hg19) VCF-style: chr18-67834247-T-G.
Other names: c.-938A>C (NM_001318520.2); short protein forms E570D.
Identifiers: ClinVar variation 1304964 (VCV001304964.3), dbSNP rs761130082, ClinGen allele CA8996101.
Genomic context (GRCh38, chr18:70,167,011, plus strand): 5'-TAGCGGGAAATGCTGATGATAGGAAAAGCTACGCAAGGCTTGGTCTGCCAGCTCCACTAA[T>G]TCTAAGAGATTCTTCTCTCCCTACAAAAGAAGCAGAATGGAACAATAAATGTCAAGTTCA-3'
Protein context (NP_775901.3, residues 560-580): IGKEGEKNLL[Glu570Asp]LVELADQALR